The following is an entry in ClinVar:

NM_020843.4(SCAPER):c.3986A>C (p.His1329Pro)

Gene: SCAPER (S-phase cyclin A associated protein in the ER; minus strand). Cytogenetic location: 15q24.3.
Variant type: single nucleotide variant.
Coding change: c.3986A>C on transcript NM_020843.4 (MANE Select); coding-DNA position 3986, A replaced by C.
Protein change: p.His1329Pro; replaces histidine 1329 with proline.
Molecular consequence: missense variant. On other transcripts: non-coding transcript variant (1).
Genome position (GRCh38, 1-based): chr15:76,354,010, T>G on the plus strand (A>C on the coding strand, the complement: SCAPER is on the minus strand). VCF-style: chr15-76354010-T-G. GRCh37 (hg19) VCF-style: chr15-76646351-T-G.
Other names: c.3248A>C, p.His1083Pro (NM_001145923.2); c.4004A>C, p.His1335Pro (NM_001353009.2); c.3584A>C, p.His1195Pro (NM_001353010.2, NM_001353012.2); c.3602A>C, p.His1201Pro (NM_001353011.2); c.3986A>C (NM_020843.2); short protein forms H1083P, H1195P, H1201P, H1329P, H1335P.
Identifiers: ClinVar variation 3354431 (VCV003354431.3).

ClinVar aggregate classification (germline): Uncertain significance. Review status: criteria provided, multiple submitters, no conflicts (2 of 4 stars). 3 submissions from 3 submitters: Uncertain significance (2). 1 of the submissions does not count toward it. Last evaluated 2025-08-26.

Conditions:
SCAPER-related disorder. Also called: SCAPER-related condition.
Inborn genetic diseases. Identifiers: MedGen C0950123, MeSH D030342.

gnomAD v4.1: 2 of 1,606,306 alleles (0.00012%); no homozygotes.

Submissions (3):

Ambry Genetics
Classification: Uncertain significance for Inborn genetic diseases. Last evaluated: 2025-08-26. Review status: criteria provided, single submitter. Criteria: Ambry Variant Classification Scheme 2023. Collection method: clinical testing. Allele origin: germline.

Blueprint Genetics
Classification: Uncertain significance. Last evaluated: 2020-10-30. Review status: criteria provided, single submitter. Criteria: ACMG Guidelines, 2015. Collection method: clinical testing. Allele origin: germline.

PreventionGenetics, part of Exact Sciences
Classification: Uncertain significance for SCAPER-related condition. Last evaluated: 2024-09-16. Review status: no assertion criteria provided. Collection method: clinical testing. Allele origin: germline. Not counted in ClinVar's aggregate classification.
Comment: The SCAPER c.4004A>C variant is predicted to result in the amino acid substitution p.His1335Pro. To our knowledge, this variant has not been reported in the literature or in a large population database, indicating this variant is rare. At this time, the clinical significance of this variant is uncertain due to the absence of conclusive functional and genetic evidence.